The following is an entry in ClinVar:

ClinVar aggregate classification (germline): Conflicting classifications of pathogenicity. Review status: criteria provided, conflicting classifications (1 of 4 stars). 5 submissions from 5 submitters: Uncertain significance (2); Likely benign (1). 2 of the submissions do not count toward it. Last evaluated 2026-02-02.

Conditions:
HPS1-related disorder. Also called: HPS1-related condition.
Hermansky-Pudlak syndrome 1 (HPS1). Also called: DELTA STORAGE POOL DISEASE. Identifiers: Orphanet 231500, Orphanet 79430, MedGen C2931875, MONDO:0008748, OMIM 203300.
Hermansky-Pudlak syndrome (HPS). Also called: ALBINISM WITH HEMORRHAGIC DIATHESIS AND PIGMENTED RETICULOENDOTHELIAL CELLS. Identifiers: Orphanet 79430, MedGen C0079504, MONDO:0019312.

Allele frequency attached by ClinVar (database versions not stated): gnomAD 0.00003; gnomAD exomes 0.00003 and 0.00010; TOPMed 0.00003; ESP Exome Variant Server 0.00008; ExAC 0.00009.
gnomAD v4.1: 54 of 1,612,192 alleles (0.0033%); highest among the groups gnomAD compares: Middle Eastern, 0.054%; no homozygotes.

Submissions (5):

Labcorp Genetics (formerly Invitae), Labcorp
Classification: Likely benign. Last evaluated: 2026-02-02. Review status: criteria provided, single submitter. Criteria: Invitae Variant Classification Sherloc (09022015). Collection method: clinical testing. Allele origin: germline.

Fulgent Genetics
Classification: Uncertain significance for Hermansky-Pudlak syndrome 1. Last evaluated: 2024-05-02. Review status: criteria provided, single submitter. Criteria: ACMG Guidelines, 2015. Collection method: clinical testing. Allele origin: germline.

Blueprint Genetics
Classification: Uncertain significance. Last evaluated: 2018-06-11. Review status: criteria provided, single submitter. Criteria: ACMG Guidelines, 2015. Collection method: clinical testing. Allele origin: germline.

PreventionGenetics, part of Exact Sciences
Classification: Uncertain significance for HPS1-related condition. Last evaluated: 2024-03-23. Review status: no assertion criteria provided. Collection method: clinical testing. Allele origin: germline. Not counted in ClinVar's aggregate classification.
Comment: The HPS1 c.2068C>T variant is predicted to result in the amino acid substitution p.Arg690Cys. To our knowledge, this variant has not been reported in the literature. This variant is reported in 0.065% of alleles in individuals of Latino descent in gnomAD. At this time, the clinical significance of this variant is uncertain due to the absence of conclusive functional and genetic evidence.

Natera, Inc.
Classification: Uncertain significance for Hermansky-Pudlak syndrome. Last evaluated: 2020-04-10. Review status: no assertion criteria provided. Collection method: clinical testing. Allele origin: germline. Not counted in ClinVar's aggregate classification.

NM_000195.5(HPS1):c.2068C>T (p.Arg690Cys)

Gene: HPS1 (HPS1 biogenesis of lysosomal organelles complex 3 subunit 1; minus strand). Cytogenetic location: 10q24.2.
Variant type: single nucleotide variant.
Coding change: c.2068C>T on transcript NM_000195.5 (MANE Select); coding-DNA position 2068, C replaced by T.
Protein change: p.Arg690Cys; replaces arginine 690 with cysteine.
Molecular consequence: missense variant.
Genome position (GRCh38, 1-based): chr10:98,417,599, G>A on the plus strand (C>T on the coding strand, the complement: HPS1 is on the minus strand). VCF-style: chr10-98417599-G-A. GRCh37 (hg19) VCF-style: chr10-100177356-G-A.
Other names: c.1096C>T, p.Arg366Cys (NM_001311345.2, NM_001322487.2, NM_001322489.2); c.2068C>T, p.Arg690Cys (NM_001322476.2, NM_001322477.2); c.1969C>T, p.Arg657Cys (NM_001322478.2, NM_001322479.2); c.1807C>T, p.Arg603Cys (NM_001322480.2, NM_001322481.2); c.1708C>T, p.Arg570Cys (NM_001322482.2); c.1699C>T, p.Arg567Cys (NM_001322483.2, NM_001322484.2); c.1600C>T, p.Arg534Cys (NM_001322485.2); c.2068C>T (NM_000195.4); short protein forms R366C, R534C, R567C, R570C, R603C, R657C, R690C.
Identifiers: ClinVar variation 990174 (VCV000990174.8), dbSNP rs367656088, ClinGen allele CA5638791.
Genomic context (GRCh38, chr10:98,417,599, plus strand): 5'-AAAGGCAGACTGCGGCCACCTTGGCCTAGAGCAGGGGGATACGGGAGGCCTCCCAGAGGC[G>A]CCGGGCCAGCTGGCCGGCCTGCTGCACCAGCAGGTCAGTGGGGATGACAGACAGGTGCAG-3'
Protein context (NP_000186.2, residues 680-700): LVQQAGQLAR[Arg690Cys]LWEASRIPLL